The following is an entry in ClinVar:

ClinVar aggregate classification (germline): Uncertain significance (1 of 4 stars; one submission).

Conditions:
SMCHD1-related disorder. Also called: SMCHD1-related condition.

Allele frequency attached by ClinVar (database versions not stated): ExAC 0.00001.

Submission:

PreventionGenetics, part of Exact Sciences
Classification: Uncertain significance for SMCHD1-related condition. Last evaluated: 2025-10-07. Review status: criteria provided, single submitter. Criteria: ACMG Guidelines, 2015. Collection method: clinical testing. Allele origin: germline.
Comment: The SMCHD1 c.1942G>T variant is predicted to result in the amino acid substitution p.Val648Phe. To our knowledge, this variant has not been reported in the literature. This variant is reported in 0.00090% of alleles in individuals of European (Non-Finnish) descent in gnomAD. At this time, the clinical significance of this variant is uncertain due to the absence of conclusive functional and genetic evidence.

NM_015295.3(SMCHD1):c.1942G>T (p.Val648Phe)

Gene: SMCHD1 (structural maintenance of chromosomes flexible hinge domain containing 1; plus strand). Cytogenetic location: 18p11.32.
Variant type: single nucleotide variant.
Coding change: c.1942G>T on transcript NM_015295.3 (MANE Select); coding-DNA position 1942, G replaced by T.
Protein change: p.Val648Phe; replaces valine 648 with phenylalanine.
Molecular consequence: missense variant.
Genome position (GRCh38, 1-based): chr18:2,705,793, G>T. VCF-style: chr18-2705793-G-T. GRCh37 (hg19) VCF-style: chr18-2705791-G-T.
Other names: short protein forms V648F.
Identifiers: ClinVar variation 2636370 (VCV002636370.2), dbSNP rs775428652, ClinGen allele CA8870832.